The following is an entry in ClinVar:

NM_001372106.1(DNAH10):c.13308C>T (p.Ser4436=)

Genes: DNAH10 (dynein axonemal heavy chain 10; plus strand), DNAH10OS (dynein axonemal heavy chain 10 opposite strand; minus strand). Cytogenetic location: 12q24.31.
Variant type: single nucleotide variant.
Coding change: c.13308C>T on transcript NM_001372106.1 (MANE Select); coding-DNA position 13308, C replaced by T.
Protein change: p.Ser4436=; no amino-acid change (serine 4436 retained).
Molecular consequence: synonymous variant.
Genome position (GRCh38, 1-based): chr12:123,933,342, C>T. VCF-style: chr12-123933342-C-T. GRCh37 (hg19) VCF-style: chr12-124417889-C-T.
Other names: c.12954C>T, p.Ser4318= (NM_207437.3).
Identifiers: ClinVar variation 402625 (VCV000402625.7), dbSNP rs4930721, ClinGen allele CA6866207.

ClinVar aggregate classification (germline): Benign. Review status: criteria provided, multiple submitters, no conflicts (2 of 4 stars). 3 submissions from 3 submitters: Benign (2). 1 of the submissions does not count toward it. Last evaluated 2016-03-29.

Conditions:
DNAH10-related disorder. Also called: DNAH10-related condition.

Allele frequency attached by ClinVar (database versions not stated): 1000 Genomes Project 0.26058; 1000 Genomes Project 30x 0.26562; gnomAD exomes 0.27637 and 0.30030; gnomAD 0.30199 and 0.30694; TOPMed 0.30714; ESP Exome Variant Server 0.30743; ExAC 0.37411.
gnomAD v4.1: 472,820 of 1,572,818 alleles (30%); highest among the groups gnomAD compares: Middle Eastern, 35%; 72,802 homozygotes.

Submissions (3):

Laboratory for Molecular Medicine, Mass General Brigham Personalized Medicine
Classification: Benign. Last evaluated: 2016-03-29. Review status: criteria provided, single submitter. Criteria: LMM Criteria. Collection method: clinical testing. Allele origin: germline.
Comment: Variant identified in a genome or exome case(s) and assessed due to predicted null impact of the variant or pathogenic assertions in the literature or databases. Disclaimer: This variant has not undergone full assessment. The following are preliminary notes: Frequency

Breakthrough Genomics
Classification: Benign. Review status: criteria provided, single submitter. Criteria: ACMG Guidelines, 2015. Collection method: not provided. Allele origin: germline. Inheritance: Autosomal recessive inheritance. Affected: yes.

PreventionGenetics, part of Exact Sciences
Classification: Benign for DNAH10-related condition. Last evaluated: 2019-10-31. Review status: no assertion criteria provided. Collection method: clinical testing. Allele origin: germline. Not counted in ClinVar's aggregate classification.
Comment: This variant is classified as benign based on ACMG/AMP sequence variant interpretation guidelines (Richards et al. 2015 PMID: 25741868, with internal and published modifications).